The following is an entry in ClinVar:

ClinVar aggregate classification (germline): Pathogenic/Likely pathogenic. Review status: criteria provided, multiple submitters, no conflicts (2 of 4 stars). 6 submissions from 6 submitters: Pathogenic (2); Likely pathogenic (2). 2 of the submissions do not count toward it. Last evaluated 2026-03-25.

Conditions:
NTRK1-related disorder. Also called: NTRK1-related condition.
Hereditary insensitivity to pain with anhidrosis (CIPA). Also called: NEUROPATHY, CONGENITAL SENSORY, WITH ANHIDROSIS; hereditary sensory and autonomic neuropathy type 4; FAMILIAL DYSAUTONOMIA, TYPE II; NTRK1 Congenital Insensitivity to Pain with Anhidrosis; INSENSITIVITY TO PAIN, CONGENITAL, WITH ANHIDROSIS; HSAN Type IV. Identifiers: Orphanet 642, MedGen C0020074, MONDO:0009746, OMIM 256800.
Charcot-Marie-Tooth disease. Also called: Charcot-Marie-Tooth Neuropathy; Charcot-Marie-Tooth Hereditary Neuropathy. Identifiers: Orphanet 166, MedGen C0007959, MONDO:0015626.

Allele frequency attached by ClinVar (database versions not stated): gnomAD 0.00001; gnomAD exomes 0.00001 and 0.00002; TOPMed 0.00002; ExAC 0.00003.
gnomAD v4.1: 13 of 1,610,028 alleles (0.00081%); highest among the groups gnomAD compares: East Asian, 0.027%; no homozygotes.

Submissions (6):

PreventionGenetics, part of Exact Sciences
Classification: Likely pathogenic for NTRK1-related condition. Last evaluated: 2026-03-25. Review status: criteria provided, single submitter. Criteria: ACMG Guidelines, 2015. Collection method: clinical testing. Allele origin: germline.
Comment: The NTRK1 c.2303C>T variant is predicted to result in the amino acid substitution p.Pro768Leu. This variant has been reported in the compound heterozygous state in many unrelated individuals with features of NTRK1-related disorders (called p.Pro762Leu, Ohto et al. 2004. PubMed ID: 15534759; Jung et al. 2013. PubMed ID: 23112235; Tanaka et al. 2012. PubMed ID: 22032467; Supplemental table 1, Kosaki et al. 2020. PubMed ID: 32369273; Cho et al. 2024. PubMed ID: 38581121). This variant is reported in 0.022% of alleles in individuals of East Asian descent in gnomAD. This variant is interpreted as likely pathogenic.

Natera, Inc.
Classification: Pathogenic for Hereditary insensitivity to pain with anhidrosis. Last evaluated: 2024-08-22. Review status: criteria provided, single submitter. Criteria: Natera Variant Classification Schema (03/2026). Collection method: clinical testing. Allele origin: germline.
Comment: The c.2285C>T variant in NTRK1 is a missense variant predicted to cause substitution of proline to leucine at amino acid 762. This variant is rare in the general population with a frequency below the threshold expected for the associated phenotype(s). This variant has been observed in one or more individuals affected with the associated recessive disease, as either homozygous or compound heterozygous with a second variant (PMID: 23112235, 32369273, 36061987, 38833577, 22032467). Computational prediction algorithms indicate this variant is likely to affect gene or protein function. Given the available evidence, this variant is classified as Pathogenic.

Labcorp Genetics (formerly Invitae), Labcorp
Classification: Pathogenic for Hereditary insensitivity to pain with anhidrosis. Last evaluated: 2024-02-25. Review status: criteria provided, single submitter. Criteria: Invitae Variant Classification Sherloc (09022015). Collection method: clinical testing. Allele origin: germline.
Comment: This sequence change replaces proline, which is neutral and non-polar, with leucine, which is neutral and non-polar, at codon 762 of the NTRK1 protein (p.Pro762Leu). This variant is present in population databases (rs756981419, gnomAD 0.02%). This missense change has been observed in individual(s) with sensory and autonomic neuropathy type IV (PMID: 15534759, 22032467, 23112235). In at least one individual the data is consistent with being in trans (on the opposite chromosome) from a pathogenic variant. This variant is also known as c.2303C>T (p.Pro768Leu). ClinVar contains an entry for this variant (Variation ID: 637485). Advanced modeling of protein sequence and biophysical properties (such as structural, functional, and spatial information, amino acid conservation, physicochemical variation, residue mobility, and thermodynamic stability) has been performed at Invitae for this missense variant, however the output from this modeling did not meet the statistical confidence thresholds required to predict the impact of this variant on NTRK1 protein function. For these reasons, this variant has been classified as Pathogenic.

Juno Genomics, Hangzhou Juno Genomics, Inc
Classification: Likely pathogenic for Hereditary insensitivity to pain with anhidrosis. Review status: criteria provided, single submitter. Criteria: ACMG Guidelines, 2015. Collection method: clinical testing. Allele origin: germline.
Comment: Absent from controls (or at extremely low frequency if recessive) in Genome Aggregation Database.;Multiple lines of computational evidence support a deleterious effect on the gene or gene product.;For recessive disorders, detected in trans with a pathogenic variant.;Patient's phenotype or family history is highly specific for a disease with a single genetic etiology.

Department of Neurology and Geriatrics, Kagoshima University Graduate School of Medical and Dental Sciences
Classification: Likely pathogenic for Hereditary insensitivity to pain with anhidrosis. Last evaluated: 2021-11-16. Review status: no assertion criteria provided. Collection method: research. Allele origin: germline. Affected: yes. Not counted in ClinVar's aggregate classification.

Inherited Neuropathy Consortium
Classification: Uncertain significance for Charcot-Marie-Tooth disease. Review status: no assertion criteria provided. Collection method: literature only. Allele origin: germline. Affected: yes. Not counted in ClinVar's aggregate classification.

Literature cited by the submitters: PubMed 23112235 (cited by Natera, Inc. and Labcorp Genetics (formerly Invitae), Labcorp); PubMed 32369273 (cited by Natera, Inc.); PubMed 36061987 (cited by Natera, Inc.); PubMed 38833577 (cited by Natera, Inc.); PubMed 22032467 (cited by Natera, Inc. and Labcorp Genetics (formerly Invitae), Labcorp); PubMed 15534759 (cited by Labcorp Genetics (formerly Invitae), Labcorp and Inherited Neuropathy Consortium).

NM_002529.4(NTRK1):c.2303C>T (p.Pro768Leu)

Gene: NTRK1 (neurotrophic receptor tyrosine kinase 1; plus strand). Cytogenetic location: 1q23.1.
Variant type: single nucleotide variant.
Coding change: c.2303C>T on transcript NM_002529.4 (MANE Select); coding-DNA position 2303, C replaced by T.
Protein change: p.Pro768Leu; replaces proline 768 with leucine.
Molecular consequence: missense variant.
Genome position (GRCh38, 1-based): chr1:156,881,554, C>T. VCF-style: chr1-156881554-C-T. GRCh37 (hg19) VCF-style: chr1-156851346-C-T.
Other names: c.2303C>T (NM_002529.3); c.2195C>T, p.Pro732Leu (NM_001007792.1); c.2285C>T, p.Pro762Leu (NM_001012331.2); short protein forms P768L, P732L, P762L.
Identifiers: ClinVar variation 637485 (VCV000637485.11), dbSNP rs756981419, ClinGen allele CA1169628.